The following is an entry in ClinVar:

NM_001365999.1(SZT2):c.9969+4A>G

Genes: SZT2 (SZT2 subunit of KICSTOR complex; plus strand), SZT2-AS1 (SZT2 antisense RNA 1; minus strand). Cytogenetic location: 1p34.2.
Variant type: single nucleotide variant.
Coding change: c.9969+4A>G on transcript NM_001365999.1 (MANE Select); 4 bases into the intron after coding-DNA position 9969, A replaced by G.
Molecular consequence: intron variant. On other transcripts: non-coding transcript variant (1).
Genome position (GRCh38, 1-based): chr1:43,448,488, A>G. VCF-style: chr1-43448488-A-G. GRCh37 (hg19) VCF-style: chr1-43914159-A-G.
Other names: c.9798+4A>G (NM_015284.4).
Identifiers: ClinVar variation 641081 (VCV000641081.6), dbSNP rs1371869755, ClinGen allele CA417552250.
Genomic context (GRCh38, chr1:43,448,488, plus strand): 5'-GAGGAACTCCTAGAAGCAGTCCATGCCAAATCCATTGGGGACATCGACCCCCAGCTGGTA[A>G]GGAACTGTGGGCTCCCGAAAGAGCTGGGATAGGTGCCAGGAATTCCACTGGCAGCCAGGG-3'

ClinVar aggregate classification (germline): Uncertain significance (1 of 4 stars; one submission).

Allele frequency attached by ClinVar (database versions not stated): gnomAD exomes 0.00001; TOPMed 0.00001.

Submission:

Labcorp Genetics (formerly Invitae), Labcorp
Classification: Uncertain significance. Last evaluated: 2018-11-16. Review status: criteria provided, single submitter. Criteria: Invitae Variant Classification Sherloc (09022015). Collection method: clinical testing. Allele origin: germline.
Comment: This variant is not present in population databases (ExAC no frequency). In summary, the available evidence is currently insufficient to determine the role of this variant in disease. Therefore, it has been classified as a Variant of Uncertain Significance. Nucleotide substitutions within the consensus splice site are a relatively common cause of aberrant splicing (PMID: 17576681, 9536098). Algorithms developed to predict the effect of sequence changes on RNA splicing suggest that this variant may disrupt the consensus splice site, but this prediction has not been confirmed by published transcriptional studies. This variant has not been reported in the literature in individuals with SZT2-related disease. This sequence change falls in intron 68 of the SZT2 gene. It does not directly change the encoded amino acid sequence of the SZT2 protein, but it affects a nucleotide within the consensus splice site of the intron.

Literature cited by the submitters: PubMed 17576681; PubMed 9536098.